The following is an entry in ClinVar:

NM_016507.4(CDK12):c.1732G>C (p.Ala578Pro)

Gene: CDK12 (cyclin dependent kinase 12; plus strand). Cytogenetic location: 17q12.
Variant type: single nucleotide variant.
Coding change: c.1732G>C on transcript NM_016507.4 (MANE Select); coding-DNA position 1732, G replaced by C.
Protein change: p.Ala578Pro; replaces alanine 578 with proline.
Molecular consequence: missense variant.
Genome position (GRCh38, 1-based): chr17:39,471,564, G>C. VCF-style: chr17-39471564-G-C. GRCh37 (hg19) VCF-style: chr17-37627817-G-C.
Other names: c.1732G>C, p.Ala578Pro (NM_015083.4); short protein forms A578P.
Identifiers: ClinVar variation 3999408 (VCV003999408.1).

ClinVar aggregate classification (germline): Uncertain significance (1 of 4 stars; one submission).

gnomAD v4.1: 3 of 1,613,694 alleles (0.00019%); highest among the groups gnomAD compares: Middle Eastern, 0.016%; no homozygotes.

Submission:

Ambry Genetics
Classification: Uncertain significance. Last evaluated: 2025-05-02. Review status: criteria provided, single submitter. Criteria: Ambry Variant Classification Scheme 2023. Collection method: clinical testing. Allele origin: germline.
Comment: The p.A578P variant (also known as c.1732G>C), located in coding exon 2 of the CDK12 gene, results from a G to C substitution at nucleotide position 1732. The alanine at codon 578 is replaced by proline, an amino acid with highly similar properties. This amino acid position is conserved. In addition, this alteration is predicted to be tolerated by in silico analysis. Based on the available evidence, the clinical significance of this variant remains unclear.